The following is an entry in ClinVar:

NM_006231.4(POLE):c.930G>C (p.Arg310Ser)

Gene: POLE (DNA polymerase epsilon, catalytic subunit; minus strand). Cytogenetic location: 12q24.33.
Variant type: single nucleotide variant.
Coding change: c.930G>C on transcript NM_006231.4 (MANE Select); coding-DNA position 930, G replaced by C.
Protein change: p.Arg310Ser; replaces arginine 310 with serine.
Molecular consequence: missense variant.
Genome position (GRCh38, 1-based): chr12:132,676,184, C>G on the plus strand (G>C on the coding strand, the complement: POLE is on the minus strand). VCF-style: chr12-132676184-C-G. GRCh37 (hg19) VCF-style: chr12-133252770-C-G.
Other names: short protein forms R310S.
Identifiers: ClinVar variation 2915930 (VCV002915930.3), dbSNP rs2136014033, ClinGen allele CA387363907.

ClinVar aggregate classification (germline): Uncertain significance (1 of 4 stars; one submission).

gnomAD v4.1: 1 of 1,613,264 alleles (0.000062%); no homozygotes.

Submission:

Labcorp Genetics (formerly Invitae), Labcorp
Classification: Uncertain significance. Last evaluated: 2024-01-02. Review status: criteria provided, single submitter. Criteria: Invitae Variant Classification Sherloc (09022015). Collection method: clinical testing. Allele origin: germline.
Comment: This sequence change replaces arginine, which is basic and polar, with serine, which is neutral and polar, at codon 310 of the POLE protein (p.Arg310Ser). This variant is not present in population databases (gnomAD no frequency). This variant has not been reported in the literature in individuals affected with POLE-related conditions. Advanced modeling of protein sequence and biophysical properties (such as structural, functional, and spatial information, amino acid conservation, physicochemical variation, residue mobility, and thermodynamic stability) performed at Invitae indicates that this missense variant is expected to disrupt POLE protein function with a positive predictive value of 80%. In summary, the available evidence is currently insufficient to determine the role of this variant in disease. Therefore, it has been classified as a Variant of Uncertain Significance.